The following is an entry in ClinVar:

ClinVar aggregate classification (germline): Uncertain significance (1 of 4 stars; one submission).

Conditions:
Cardiovascular phenotype. Identifiers: MedGen CN230736.

gnomAD v4.1: 4 of 1,613,706 alleles (0.00025%); highest among the groups gnomAD compares: African/African-American, 0.0013%; no homozygotes.

Submission:

Ambry Genetics
Classification: Uncertain significance for Cardiovascular phenotype. Last evaluated: 2025-08-28. Review status: criteria provided, single submitter. Criteria: Ambry Variant Classification Scheme 2023. Collection method: clinical testing. Allele origin: germline.
Comment: The p.I706M variant (also known as c.2118A>G), located in coding exon 14 of the SCN10A gene, results from an A to G substitution at nucleotide position 2118. The isoleucine at codon 706 is replaced by methionine, an amino acid with highly similar properties. This amino acid position is conserved. In addition, this alteration is predicted to be tolerated by in silico analysis. Based on the available evidence, the clinical significance of this variant remains unclear.

NM_006514.4(SCN10A):c.2118A>G (p.Ile706Met)

Gene: SCN10A (sodium voltage-gated channel alpha subunit 10; minus strand). Cytogenetic location: 3p22.2.
Variant type: single nucleotide variant.
Coding change: c.2118A>G on transcript NM_006514.4 (MANE Select); coding-DNA position 2118, A replaced by G.
Protein change: p.Ile706Met; replaces isoleucine 706 with methionine.
Molecular consequence: missense variant.
Genome position (GRCh38, 1-based): chr3:38,739,677, T>C on the plus strand (A>G on the coding strand, the complement: SCN10A is on the minus strand). VCF-style: chr3-38739677-T-C. GRCh37 (hg19) VCF-style: chr3-38781168-T-C.
Other names: c.2118A>G, p.Ile706Met (NM_001293306.2); c.1824A>G, p.Ile608Met (NM_001293307.2); short protein forms I706M, I608M.
Identifiers: ClinVar variation 4160556 (VCV004160556.1).